The following is an entry in ClinVar:

NM_015466.4(PTPN23):c.4121del (p.Val1374fs)

Gene: PTPN23 (protein tyrosine phosphatase non-receptor type 23; plus strand). Cytogenetic location: 3p21.31.
Variant type: Deletion.
Coding change: c.4121del on transcript NM_015466.4 (MANE Select); coding-DNA position 4121, one base deleted (T; older notation c.4121delT).
Protein change: p.Val1374fs; shifts the reading frame from valine 1374.
Molecular consequence: frameshift variant.
Genome position (GRCh38, 1-based): chr3:47,412,141, T deleted. VCF-style (leftmost placement, unchanged base first): chr3-47412140-GT-G. GRCh37 (hg19) VCF-style: chr3-47453630-GT-G.
Other names: c.3743del, p.Val1248fs (NM_001304482.2); short protein forms V1374fs, V1248fs.
Identifiers: ClinVar variation 3729564 (VCV003729564.2).
Genomic context (GRCh38, chr3:47,412,140, plus strand): 5'-ATCCTGTCCCACAGAGGCCTGCCCGACAGCCCCAGCAACTTGCTGCGCTTCATCCAGGAG[GT>G]GCACGCACATTACCTGCATCAGCGGCCGCTGCACACGCCCATCATTGTGCACTGCAGGTA-3'

ClinVar aggregate classification (germline): Pathogenic (1 of 4 stars; one submission).

Submission:

Labcorp Genetics (formerly Invitae), Labcorp
Classification: Pathogenic. Last evaluated: 2025-01-25. Review status: criteria provided, single submitter. Criteria: Invitae Variant Classification Sherloc (09022015). Collection method: clinical testing. Allele origin: germline.
Comment: This sequence change creates a premature translational stop signal (p.Val1374Glyfs*77) in the PTPN23 gene. It is expected to result in an absent or disrupted protein product. Loss-of-function variants in PTPN23 are known to be pathogenic (PMID: 29090338, 29899372). This variant is not present in population databases (gnomAD no frequency). This variant has not been reported in the literature in individuals affected with PTPN23-related conditions. For these reasons, this variant has been classified as Pathogenic.

Literature cited by the submitters: PubMed 29090338; PubMed 29899372.